The following is an entry in ClinVar:

ClinVar aggregate classification (germline): Conflicting classifications of pathogenicity. Review status: criteria provided, conflicting classifications (1 of 4 stars). 2 submissions from 2 submitters: Uncertain significance (1); Likely benign (1). Last evaluated 2025-11-04.

Submissions (2):

Women's Health and Genetics/Laboratory Corporation of America, LabCorp
Classification: Uncertain significance. Last evaluated: 2025-11-04. Review status: criteria provided, single submitter. Criteria: LabCorp Variant Classification Summary - May 2015. Collection method: clinical testing. Allele origin: germline.
Comment: Variant summary: CNOT2 c.*10_*23del14 is located in the untranslated mRNA region downstream of the termination codon. The variant was absent in 92760 control chromosomes. The available data on variant occurrences in the general population are insufficient to allow any conclusion about variant significance. To our knowledge, no occurrence of c.*10_*23del14 in individuals affected with CNOT2-related conditions and no experimental evidence demonstrating its impact on protein function have been reported. ClinVar contains an entry for this variant (Variation ID: 1686400). Based on the evidence outlined above, the variant was classified as uncertain significance.

Mendelics
Classification: Likely benign. Last evaluated: 2022-05-04. Review status: criteria provided, single submitter. Criteria: Mendelics Assertion Criteria 2019. Collection method: clinical testing. Allele origin: germline.

NM_014515.7(CNOT2):c.*10_*23del (p.Ter541=)

Gene: CNOT2 (CCR4-NOT transcription complex subunit 2; plus strand). Cytogenetic location: 12q15.
Variant type: Deletion.
Coding change: c.*10_*23del on transcript NM_014515.7 (MANE Select); 10 bases downstream of the stop codon through 23 bases downstream of the stop codon, 14 bases deleted (AAAAAAAAAAAAAA).
Protein change: p.Ter541=.
Molecular consequence: no sequence alteration. On other transcripts: non-coding transcript variant (1).
Genome position (GRCh38, 1-based): chr12:70,353,925-70,353,938, AAAAAAAAAAAAAA deleted; deleting any 14 consecutive bases within chr12:70,353,914-70,353,938 gives the same sequence; the c. name uses the placement nearest the transcript's 3' end. VCF-style (leftmost placement, unchanged base first): chr12-70353913-TAAAAAAAAAAAAAA-T. GRCh37 (hg19) VCF-style: chr12-70747693-TAAAAAAAAAAAAAA-T.
Other names: c.*10_*23del, p.Ter541= (NM_001199302.2, NM_001199303.2); c.*10_*23del14 (NM_014515.7).
Identifiers: ClinVar variation 1686400 (VCV001686400.2), dbSNP rs35192504, ClinGen allele CA691475212.